The following is an entry in ClinVar:

NM_001174147.2(LMX1B):c.*3182A>G

Gene: LMX1B (LIM homeobox transcription factor 1 beta; plus strand). Cytogenetic location: 9q33.3.
Variant type: single nucleotide variant.
Coding change: c.*3182A>G on transcript NM_001174147.2 (MANE Select); 3182 bases downstream of the stop codon, A replaced by G.
Molecular consequence: 3 prime UTR variant.
Genome position (GRCh38, 1-based): chr9:126,699,633, A>G. VCF-style: chr9-126699633-A-G. GRCh37 (hg19) VCF-style: chr9-129461912-A-G.
Other names: c.*3182A>G (NM_001174146.2, NM_002316.4).
Identifiers: ClinVar variation 364964 (VCV000364964.6), dbSNP rs3861878, ClinGen allele CA10632485.

ClinVar aggregate classification (germline): Benign. Review status: criteria provided, multiple submitters, no conflicts (2 of 4 stars). 2 submissions from 2 submitters: Benign (2). Last evaluated 2018-01-12.

Conditions:
Nail-patella syndrome (NPS). Also called: FONG DISEASE; ONYCHOOSTEODYSPLASIA; TURNER-KIESER SYNDROME. Identifiers: Orphanet 2614, MedGen C0027341, MONDO:0008061, OMIM 161200.

Allele frequency attached by ClinVar (database versions not stated): TOPMed 0.26502; gnomAD 0.27278 and 0.27586; gnomAD exomes 0.28819; 1000 Genomes Project 30x 0.29591; 1000 Genomes Project 0.30152.
gnomAD v4.1: 42,114 of 152,314 alleles (28%); highest among the groups gnomAD compares: South Asian, 37%; 5,879 homozygotes.

Submissions (2):

Illumina Laboratory Services, Illumina
Classification: Benign for Nail-patella syndrome. Last evaluated: 2018-01-12. Review status: criteria provided, single submitter. Criteria: ICSL Variant Classification Criteria 13 December 2019. Collection method: clinical testing. Allele origin: germline.
Comment: This variant was observed in the ICSL laboratory as part of a predisposition screen in an ostensibly healthy population. It had not been previously curated by ICSL or reported in the Human Gene Mutation Database (HGMD: prior to June 1st, 2018), and was therefore a candidate for classification through an automated scoring system. Utilizing variant allele frequency, disease prevalence and penetrance estimates, and inheritance mode, an automated score was calculated to assess if this variant is too frequent to cause the disease. Based on the score and internal cut-off values, a variant classified as benign is not then subjected to further curation. The score for this variant resulted in a classification of benign for this disease.

Breakthrough Genomics
Classification: Benign. Review status: criteria provided, single submitter. Criteria: ACMG Guidelines, 2015. Collection method: not provided. Allele origin: germline. Inheritance: Autosomal dominant inheritance. Affected: yes.